The following is an entry in ClinVar:

NM_080680.3(COL11A2):c.813_814del (p.Tyr272fs)

Gene: COL11A2 (collagen type XI alpha 2 chain; minus strand). Cytogenetic location: 6p21.32.
Variant type: Microsatellite.
Coding change: c.813_814del on transcript NM_080680.3 (MANE Select); coding-DNA positions 813 to 814, 2 bases deleted (CT; older notation c.813_814delCT).
Protein change: p.Tyr272fs; shifts the reading frame from tyrosine 272.
Molecular consequence: frameshift variant. On other transcripts: 5 prime UTR variant (3), intron variant (2).
Genome position (GRCh38, 1-based): chr6:33,185,763-33,185,764, AG deleted on the plus strand (CT on the coding strand, the reverse complement: COL11A2 is on the minus strand); deleting any 2 consecutive bases within chr6:33,185,763-33,185,769 gives the same sequence; the c. name uses the placement nearest the transcript's 3' end. VCF-style (leftmost placement, unchanged base first): chr6-33185762-TAG-T. GRCh37 (hg19) VCF-style: chr6-33153539-TAG-T.
Other names: c.813_814del, p.Tyr272fs (NM_001424108.1); c.-38CT[2] (NM_001424109.1, NM_001424110.1, NM_001424111.1); c.798+859CT[2] (NM_080679.3); c.799-714CT[2] (NM_080681.3); short protein forms Y272fs.
Identifiers: ClinVar variation 2790087 (VCV002790087.3), dbSNP rs1562380080, ClinGen allele CA566410038.

ClinVar aggregate classification (germline): Pathogenic (1 of 4 stars; one submission).

Submission:

Labcorp Genetics (formerly Invitae), Labcorp
Classification: Pathogenic. Last evaluated: 2023-09-24. Review status: criteria provided, single submitter. Criteria: Invitae Variant Classification Sherloc (09022015). Collection method: clinical testing. Allele origin: germline.
Comment: This sequence change creates a premature translational stop signal (p.Tyr272Leufs*2) in the COL11A2 gene. It is expected to result in an absent or disrupted protein product. Loss-of-function variants in COL11A2 are known to be pathogenic (PMID: 10677296, 21204229). This variant is present in population databases (no rsID available, gnomAD 0.002%). This variant has not been reported in the literature in individuals affected with COL11A2-related conditions. For these reasons, this variant has been classified as Pathogenic.

Literature cited by the submitters: PubMed 10677296; PubMed 21204229.